The following is an entry in ClinVar:

NM_004766.2(COPB2):c.2554dupG

Gene: COPB2 (coat protein complex I subunit beta 2; minus strand). Cytogenetic location: 3q23.
Variant type: Duplication.
Coding change: c.2554dupG on transcript NM_004766.2; coding-DNA position 2554, one base duplicated (G).
Genome position (GRCh38, 1-based): chr3:139,358,271, C duplicated on the plus strand (G on the coding strand, the reverse complement: COPB2 is on the minus strand); the first of 2 consecutive C bases (chr3:139,358,271-139,358,272); duplicating either gives the same sequence. VCF-style (leftmost placement, unchanged base first): chr3-139358270-T-TC. GRCh37 (hg19) VCF-style: chr3-139077112-T-TC.
Identifiers: ClinVar variation 4839260 (VCV004839260.1).

ClinVar aggregate classification (germline): Pathogenic (1 of 4 stars; one submission).

Conditions:
Inborn genetic diseases. Identifiers: MedGen C0950123, MeSH D030342.

Submission:

Ambry Genetics
Classification: Pathogenic for Inborn genetic diseases. Last evaluated: 2026-01-26. Review status: criteria provided, single submitter. Criteria: Ambry Variant Classification Scheme 2023. Collection method: clinical testing. Allele origin: germline.
Comment: The c.2554dupG (p.E852Gfs*3) alteration, located in exon 21 (coding exon 21) of the COPB2 gene, consists of a duplication of G at position 2554, causing a translational frameshift with a predicted alternate stop codon after 3 amino acids. This alteration is expected to result in loss of function by premature protein truncation or nonsense-mediated mRNA decay. This variant was not reported in population-based cohorts in the Genome Aggregation Database (gnomAD). Based on the available evidence, this alteration is classified as pathogenic.